The following is an entry in ClinVar:

ClinVar aggregate classification (germline): Pathogenic (1 of 4 stars; one submission).

Conditions:
Aicardi-Goutieres syndrome 5. Identifiers: Orphanet 51, MedGen C2749659, MONDO:0013059, OMIM 612952.

Submission:

Labcorp Genetics (formerly Invitae), Labcorp
Classification: Pathogenic for Aicardi-Goutieres syndrome 5. Last evaluated: 2020-12-09. Review status: criteria provided, single submitter. Criteria: Invitae Variant Classification Sherloc (09022015). Collection method: clinical testing. Allele origin: germline.
Comment: This sequence change creates a premature translational stop signal (p.Phe213Cysfs*14) in the SAMHD1 gene. It is expected to result in an absent or disrupted protein product. Loss-of-function variants in SAMHD1 are known to be pathogenic (PMID: 19525956, 22461318). This variant is not present in population databases (ExAC no frequency). This variant has not been reported in the literature in individuals with SAMHD1-related conditions. For these reasons, this variant has been classified as Pathogenic.

Literature cited by the submitters: PubMed 19525956; PubMed 22461318.

NM_015474.4(SAMHD1):c.638_647del (p.Phe213fs)

Gene: SAMHD1 (SAM and HD domain containing deoxynucleoside triphosphate triphosphohydrolase 1; minus strand). Cytogenetic location: 20q11.23.
Variant type: Deletion.
Coding change: c.638_647del on transcript NM_015474.4 (MANE Select); coding-DNA positions 638 to 647, 10 bases deleted (TTTCTCACAT; older notation c.638_647delTTTCTCACAT).
Protein change: p.Phe213fs; shifts the reading frame from phenylalanine 213.
Molecular consequence: frameshift variant.
Genome position (GRCh38, 1-based): chr20:36,927,231-36,927,240, ATGTGAGAAA deleted on the plus strand (TTTCTCACAT on the coding strand, the reverse complement: SAMHD1 is on the minus strand); deleting any 10 consecutive bases within chr20:36,927,231-36,927,243 gives the same sequence; the c. name uses the placement nearest the transcript's 3' end. VCF-style (leftmost placement, unchanged base first): chr20-36927230-CATGTGAGAAA-C. GRCh37 (hg19) VCF-style: chr20-35555633-CATGTGAGAAA-C.
Other names: c.638_647del, p.Phe213fs (NM_001363729.2, NM_001363733.2); short protein forms F213fs.
Identifiers: ClinVar variation 1410719 (VCV001410719.6), dbSNP rs2146127824, ClinGen allele CA2573157078.
Genomic context (GRCh38, chr20:36,927,230, plus strand): 5'-ATGAATACATACCGTCCATTTCACCTCCGGGCGAGCAAGTGGAATAAATCGTCCATCAAA[CATGTGAGAAA>C]ATGGCCCATGACCTTAAAAACAAAAGCAGCCTTAGAACAAGAAAAACATCTGTAAACCAA-3'